The following is an entry in ClinVar:

NC_012920.1(MT-TW):m.5539A>T

Gene: MT-TW (mitochondrially encoded tRNA tryptophan; plus strand).
Variant type: single nucleotide variant.
Genome position: chrM-5539-A-T.
Identifiers: ClinVar variation 689932 (VCV000689932.1), dbSNP rs1603220013, ClinGen allele CA913179796.

ClinVar aggregate classification (germline): Likely benign (1 of 4 stars; one submission).

Conditions:
MELAS syndrome (MELAS). Also called: Juvenile myopathy, encephalopathy, lactic acidosis, stroke. Identifiers: Orphanet 550, MedGen C0162671, MONDO:0010789, OMIM 540000.

Submission:

Wong Mito Lab, Molecular and Human Genetics, Baylor College of Medicine
Classification: Likely benign for MELAS syndrome. Last evaluated: 2019-07-12. Review status: criteria provided, single submitter. Criteria: Modified ACMG Guidelines (Unpublished). Collection method: clinical testing. Allele origin: germline.
Comment: The NC_012920.1:m.5539A>T variant in MT-TW gene is interpreted to be a Likely Benign variant based on the modified ACMG guidelines (unpublished). This variant meets the following evidence codes reported in the guidelines: BP4, BP6

Literature cited by the submitters: PubMed 31965079.